The following is an entry in ClinVar:

ClinVar aggregate classification (germline): Uncertain significance. Review status: criteria provided, multiple submitters, no conflicts (2 of 4 stars). 2 submissions from 2 submitters: Uncertain significance (2). Last evaluated 2025-05-05.

Conditions:
DOCK2 deficiency. Also called: Immunodeficiency 40. Identifiers: Orphanet 447737, MedGen C4225328, MONDO:0014637, OMIM 616433.
Inborn genetic diseases. Identifiers: MedGen C0950123, MeSH D030342.

Allele frequency attached by ClinVar (database versions not stated): gnomAD exomes 0.00001 and below 0.00001; ExAC 0.00001; TOPMed 0.00002.
gnomAD v4.1: 19 of 1,613,918 alleles (0.0012%); highest among the groups gnomAD compares: Non-Finnish European, 0.0014%; no homozygotes.

Submissions (2):

Ambry Genetics
Classification: Uncertain significance for Inborn genetic diseases. Last evaluated: 2025-05-05. Review status: criteria provided, single submitter. Criteria: Ambry Variant Classification Scheme 2023. Collection method: clinical testing. Allele origin: germline.

Labcorp Genetics (formerly Invitae), Labcorp
Classification: Uncertain significance for DOCK2 deficiency. Last evaluated: 2024-04-29. Review status: criteria provided, single submitter. Criteria: Invitae Variant Classification Sherloc (09022015). Collection method: clinical testing. Allele origin: germline.
Comment: This sequence change replaces aspartic acid, which is acidic and polar, with glutamic acid, which is acidic and polar, at codon 205 of the DOCK2 protein (p.Asp205Glu). This variant is present in population databases (rs751888622, gnomAD 0.0009%). This variant has not been reported in the literature in individuals affected with DOCK2-related conditions. ClinVar contains an entry for this variant (Variation ID: 863235). An algorithm developed to predict the effect of missense changes on protein structure and function (PolyPhen-2) suggests that this variant¬†is likely to be tolerated. In summary, the available evidence is currently insufficient to determine the role of this variant in disease. Therefore, it has been classified as a Variant of Uncertain Significance.

NM_004946.3(DOCK2):c.615C>G (p.Asp205Glu)

Gene: DOCK2 (dedicator of cytokinesis 2; plus strand). Cytogenetic location: 5q35.1.
Variant type: single nucleotide variant.
Coding change: c.615C>G on transcript NM_004946.3 (MANE Select); coding-DNA position 615, C replaced by G.
Protein change: p.Asp205Glu; replaces aspartic acid 205 with glutamic acid.
Molecular consequence: missense variant. On other transcripts: non-coding transcript variant (1).
Genome position (GRCh38, 1-based): chr5:169,684,204, C>G. VCF-style: chr5-169684204-C-G. GRCh37 (hg19) VCF-style: chr5-169111208-C-G.
Other names: short protein forms D205E.
Identifiers: ClinVar variation 863235 (VCV000863235.9), dbSNP rs751888622, ClinGen allele CA3553216.